The following is an entry in ClinVar:

NM_000216.4(ANOS1):c.82G>C (p.Gly28Arg)

Gene: ANOS1 (anosmin 1; minus strand). Cytogenetic location: Xp22.31.
Variant type: single nucleotide variant.
Coding change: c.82G>C on transcript NM_000216.4 (MANE Select); coding-DNA position 82, G replaced by C.
Protein change: p.Gly28Arg; replaces glycine 28 with arginine.
Molecular consequence: missense variant.
Genome position (GRCh38, 1-based): chrX:8,731,955, C>G on the plus strand (G>C on the coding strand, the complement: ANOS1 is on the minus strand). VCF-style: chrX-8731955-C-G. GRCh37 (hg19) VCF-style: chrX-8699996-C-G.
Other names: c.82G>C, p.Gly28Arg (NM_001440775.1); short protein forms G28R.
Identifiers: ClinVar variation 4882324 (VCV004882324.2).

ClinVar aggregate classification (germline): Uncertain significance (1 of 4 stars; one submission).

Conditions:
Hypogonadotropic hypogonadism 1 with or without anosmia (HH1). Also called: Hypogonadotropic hypogonadism 1 with or without anosmia (Kallmann syndrome 1); Kallmann syndrome, type 1, X-linked; DYSPLASIA OLFACTOGENITALIS OF DE MORSIER; HYPOGONADOTROPIC HYPOGONADISM AND ANOSMIA; HYPOGONADOTROPIC HYPOGONADISM 1 WITH ANOSMIA; KAL1-Related GnRH Deficiency (Kallmann Syndrome 1; Kallmann Syndrome, X-Linked). Identifiers: Orphanet 478, MedGen C1563719, MONDO:0010635, OMIM 308700. Disease mechanism: loss of function.

Submission:

Dasa
Classification: Uncertain significance for hypogonadotropic hypogonadism 1 with or without anosmia. Last evaluated: 2025-10-15. Review status: criteria provided, single submitter. Criteria: DASA Assertion Criteria. Collection method: clinical testing. Allele origin: germline.
Comment: NM_000216.4(ANOS1):c.82G>C (p.Gly28Arg) is a missense variant that results in the substitution of glycine with arginine. This variant is rare in population databases. The currently available literature and clinical evidence are not sufficient to establish a definitive association between this variant and the reported condition. Therefore, this variant is classified as a variant of uncertain significance.